The following is an entry in ClinVar:

NC_000017.11:g.31233003_31233008dup

Gene: NF1 (neurofibromin 1; plus strand). Cytogenetic location: 17q11.2.
Variant type: Duplication.
Genome position: GRCh38 VCF-style: chr17-31232997-A-ATTAGGC. GRCh37 (hg19) VCF-style: chr17-29560015-A-ATTAGGC.
Identifiers: ClinVar variation 2750385 (VCV002750385.3), ClinGen allele CA2697559801.

ClinVar aggregate classification (germline): Uncertain significance (1 of 4 stars; one submission).

Conditions:
Neurofibromatosis, type 1 (NF1). Also called: Peripheral type neurofibromatosis; NEUROFIBROMATOSIS, TYPE I, SOMATIC; VON RECKLINGHAUSEN DISEASE; Neurofibromatosis, type I. Identifiers: Orphanet 636, MedGen C0027831, MONDO:0018975, OMIM 162200. Disease mechanism: loss of function.

Submission:

Labcorp Genetics (formerly Invitae), Labcorp
Classification: Uncertain significance for Neurofibromatosis, type 1. Last evaluated: 2023-08-05. Review status: criteria provided, single submitter. Criteria: Invitae Variant Classification Sherloc (09022015). Collection method: clinical testing. Allele origin: germline.
Comment: This variant, c.3498_3503dup, results in the insertion of 2 amino acid(s) of the NF1 protein (p.Leu1167_Gly1168dup), but otherwise preserves the integrity of the reading frame. This variant is not present in population databases (gnomAD no frequency). This variant has not been reported in the literature in individuals affected with NF1-related conditions. Algorithms developed to predict the effect of sequence changes on RNA splicing suggest that this variant may disrupt the consensus splice site. In summary, the available evidence is currently insufficient to determine the role of this variant in disease. Therefore, it has been classified as a Variant of Uncertain Significance.